The following is an entry in ClinVar:

NM_020975.6(RET):c.868-86A>G

Gene: RET (ret proto-oncogene; plus strand). Cytogenetic location: 10q11.21.
Variant type: single nucleotide variant.
Coding change: c.868-86A>G on transcript NM_020975.6 (MANE Select); 86 bases into the intron before coding-DNA position 868, A replaced by G.
Molecular consequence: intron variant.
Genome position (GRCh38, 1-based): chr10:43,106,290, A>G. VCF-style: chr10-43106290-A-G. GRCh37 (hg19) VCF-style: chr10-43601738-A-G.
Other names: c.868-86A>G (NM_020630.7, NM_001406743.1, NM_001406744.1 and 4 more transcripts); c.867+1097A>G (NM_001406772.1, NM_001406769.1); c.626-2741A>G (NM_001406773.1, NM_001406771.1); c.625+3661A>G (NM_001406782.1, NM_001406780.1, NM_001406779.1 and 3 more transcripts); c.739-86A>G (NM_001406764.1, NM_001406762.1, NM_001406761.1 and 1 more transcripts); c.738+1097A>G (NM_001406774.1); c.496+3661A>G (NM_001406786.1, NM_001406783.1); c.580-86A>G (NM_001406770.1, NM_001406766.1, NM_001406767.1); and 5 more.
Identifiers: ClinVar variation 676910 (VCV000676910.3), dbSNP rs112753528, ClinGen allele CA206257380.
Genomic context (GRCh38, chr10:43,106,290, plus strand): 5'-AGACTGTCCCCAGACCTGGCTCTGACAACACACATCTGGTCCACCTATGGGCTGTGTGGG[A>G]CGTGCAGCATTCTAAGGTCTCTGGTTTTGGGGGGTCTGAGGGGCCCATCTCGCCTGCACT-3'

ClinVar aggregate classification (germline): Likely benign (1 of 4 stars; one submission).

Allele frequency attached by ClinVar (database versions not stated): gnomAD exomes 0.00055; 1000 Genomes Project 0.00359; 1000 Genomes Project 30x 0.00406; gnomAD 0.00542 and 0.00589; TOPMed 0.00618.
gnomAD v4.1: 1,502 of 1,283,708 alleles (0.12%); highest among the groups gnomAD compares: African/African-American, 2%; 19 homozygotes.

Submission:

GeneDx
Classification: Likely benign. Last evaluated: 2018-06-12. Review status: criteria provided, single submitter. Criteria: GeneDx Variant Classification (06012015). Collection method: clinical testing. Allele origin: germline. Affected: yes.
Comment: This variant is considered likely benign or benign based on one or more of the following criteria: it is a conservative change, it occurs at a poorly conserved position in the protein, it is predicted to be benign by multiple in silico algorithms, and/or has population frequency not consistent with disease.